The following is an entry in ClinVar:

NM_018723.4(RBFOX1):c.252C>T (p.Thr84=)

Gene: RBFOX1 (RNA binding fox-1 homolog 1; plus strand). Cytogenetic location: 16p13.3.
Variant type: single nucleotide variant.
Coding change: c.252C>T on transcript NM_018723.4 (MANE Select); coding-DNA position 252, C replaced by T.
Protein change: p.Thr84=; no amino-acid change (threonine 84 retained).
Molecular consequence: synonymous variant.
Genome position (GRCh38, 1-based): chr16:7,518,371, C>T. VCF-style: chr16-7518371-C-T. GRCh37 (hg19) VCF-style: chr16-7568373-C-T.
Other names: c.312C>T, p.Thr104= (NM_145893.3, NM_001415896.1, NM_001415904.1 and 4 more transcripts); c.252C>T, p.Thr84= (NM_001142333.2, NM_001142334.2, NM_001364800.2 and 1 more transcripts); c.381C>T, p.Thr127= (NM_001308117.1, NM_001411047.1, NM_001415891.1 and 5 more transcripts); c.849C>T, p.Thr283= (NM_001415887.1, NM_001415888.1); c.360C>T, p.Thr120= (NM_001415889.1, NM_001415892.1, NM_001415894.1 and 5 more transcripts); c.327C>T, p.Thr109= (NM_001415890.1, NM_001415893.1, NM_001415899.1 and 4 more transcripts); c.258C>T, p.Thr86= (NM_001415902.1, NM_001415911.1, NM_001415917.1).
Identifiers: ClinVar variation 5038636 (VCV005038636.1).

ClinVar aggregate classification (germline): Likely benign (1 of 4 stars; one submission).

gnomAD v4.1: 26 of 1,610,330 alleles (0.0016%); highest among the groups gnomAD compares: Middle Eastern, 0.082%; no homozygotes.

Submission:

CeGaT Center for Human Genetics Tuebingen
Classification: Likely benign. Last evaluated: 2026-07-01. Review status: criteria provided, single submitter. Criteria: CeGaT Center For Human Genetics Tuebingen Variant Classification Criteria Version 2. Collection method: clinical testing. Allele origin: germline. Affected: yes. Observed: 1 variant allele.
Comment: RBFOX1: BP4, BP7